The following is an entry in ClinVar:

NM_015346.4(ZFYVE26):c.903A>G (p.Leu301=)

Gene: ZFYVE26 (zinc finger FYVE-type containing 26; minus strand). Cytogenetic location: 14q24.1.
Variant type: single nucleotide variant.
Coding change: c.903A>G on transcript NM_015346.4 (MANE Select); coding-DNA position 903, A replaced by G.
Protein change: p.Leu301=; no amino-acid change (leucine 301 retained).
Molecular consequence: synonymous variant.
Genome position (GRCh38, 1-based): chr14:67,806,659, T>C on the plus strand (A>G on the coding strand, the complement: ZFYVE26 is on the minus strand). VCF-style: chr14-67806659-T-C. GRCh37 (hg19) VCF-style: chr14-68273376-T-C.
Identifiers: ClinVar variation 2113658 (VCV002113658.1), dbSNP rs2502877574, ClinGen allele CA486756490.

ClinVar aggregate classification (germline): Uncertain significance (1 of 4 stars; one submission).

Conditions:
Spastic paraplegia. Identifiers: MedGen C0037772, HP:0001258.

Allele frequency attached by ClinVar (database versions not stated): gnomAD exomes below 0.00001.
gnomAD v4.1: 2 of 1,614,168 alleles (0.00012%); highest among the groups gnomAD compares: South Asian, 0.0011%; no homozygotes.

Submission:

Labcorp Genetics (formerly Invitae), Labcorp
Classification: Uncertain significance for Spastic paraplegia. Last evaluated: 2022-03-18. Review status: criteria provided, single submitter. Criteria: Invitae Variant Classification Sherloc (09022015). Collection method: clinical testing. Allele origin: germline.
Comment: This sequence change affects codon 301 of the ZFYVE26 mRNA. It is a 'silent' change, meaning that it does not change the encoded amino acid sequence of the ZFYVE26 protein. This variant is not present in population databases (gnomAD no frequency). This variant has not been reported in the literature in individuals affected with ZFYVE26-related conditions. Algorithms developed to predict the effect of sequence changes on RNA splicing suggest that this variant may disrupt the consensus splice site. In summary, the available evidence is currently insufficient to determine the role of this variant in disease. Therefore, it has been classified as a Variant of Uncertain Significance.